The following is an entry in ClinVar:

NM_005560.6(LAMA5):c.9971G>A (p.Arg3324Gln)

Gene: LAMA5 (laminin subunit alpha 5; minus strand). Cytogenetic location: 20q13.33.
Variant type: single nucleotide variant.
Coding change: c.9971G>A on transcript NM_005560.6 (MANE Select); coding-DNA position 9971, G replaced by A.
Protein change: p.Arg3324Gln; replaces arginine 3324 with glutamine.
Molecular consequence: missense variant.
Genome position (GRCh38, 1-based): chr20:62,311,279, C>T on the plus strand (G>A on the coding strand, the complement: LAMA5 is on the minus strand). VCF-style: chr20-62311279-C-T. GRCh37 (hg19) VCF-style: chr20-60886335-C-T.
Other names: c.9971G>A (NM_005560.3); short protein forms R3324Q.
Identifiers: ClinVar variation 2181979 (VCV002181979.5), dbSNP rs371353573, ClinGen allele CA9939974.
Genomic context (GRCh38, chr20:62,311,279, plus strand): 5'-CCAAACTGGTAGGAGTCTCGGGTGGTCCTGAGGTGTGGGGGCAGCATGCAGGCAGGATGC[C>T]GGGCGGGCTGACGGCTGCGGCGGGAGGCCTGGGGGCGTGGATGGTGAATGCAGGGGCCGC-3'
Protein context (NP_005551.3, residues 3314-3334): KASRRSRQPA[Arg3324Gln]HPACMLPPHL

ClinVar aggregate classification (germline): Conflicting classifications of pathogenicity. Review status: criteria provided, conflicting classifications (1 of 4 stars). 2 submissions from 2 submitters: Uncertain significance (1); Likely benign (1). Last evaluated 2025-06-12.

Conditions:
Inborn genetic diseases. Identifiers: MedGen C0950123, MeSH D030342.

Allele frequency attached by ClinVar (database versions not stated): ExAC 0.00005; gnomAD exomes 0.00006; TOPMed 0.00006; ESP Exome Variant Server 0.00008; gnomAD 0.00010.
gnomAD v4.1: 99 of 1,596,770 alleles (0.0062%); highest among the groups gnomAD compares: Non-Finnish European, 0.0057%; no homozygotes.

Submissions (2):

Labcorp Genetics (formerly Invitae), Labcorp
Classification: Uncertain significance. Last evaluated: 2025-06-12. Review status: criteria provided, single submitter. Criteria: Invitae Variant Classification Sherloc (09022015). Collection method: clinical testing. Allele origin: germline.
Comment: This sequence change replaces arginine, which is basic and polar, with glutamine, which is neutral and polar, at codon 3324 of the LAMA5 protein (p.Arg3324Gln). This variant is present in population databases (rs371353573, gnomAD 0.05%). This variant has not been reported in the literature in individuals affected with LAMA5-related conditions. ClinVar contains an entry for this variant (Variation ID: 2181979). An algorithm developed to predict the effect of missense changes on protein structure and function outputs the following: PolyPhen-2: "Benign". The glutamine amino acid residue is found in multiple mammalian species, which suggests that this missense change does not adversely affect protein function. In summary, the available evidence is currently insufficient to determine the role of this variant in disease. Therefore, it has been classified as a Variant of Uncertain Significance.

Ambry Genetics
Classification: Likely benign for Inborn genetic diseases. Last evaluated: 2024-12-04. Review status: criteria provided, single submitter. Criteria: Ambry Variant Classification Scheme 2023. Collection method: clinical testing. Allele origin: germline.